The following is an entry in ClinVar:

NM_014956.5(CEP164):c.2651T>C (p.Leu884Pro)

Gene: CEP164 (centrosomal protein 164; plus strand). Cytogenetic location: 11q23.3.
Variant type: single nucleotide variant.
Coding change: c.2651T>C on transcript NM_014956.5 (MANE Select); coding-DNA position 2651, T replaced by C.
Protein change: p.Leu884Pro; replaces leucine 884 with proline.
Molecular consequence: missense variant.
Genome position (GRCh38, 1-based): chr11:117,394,384, T>C. VCF-style: chr11-117394384-T-C. GRCh37 (hg19) VCF-style: chr11-117265100-T-C.
Other names: c.2660T>C, p.Leu887Pro (NM_001271933.2); short protein forms L884P, L887P.
Identifiers: ClinVar variation 2080418 (VCV002080418.3), dbSNP rs1444453508, ClinGen allele CA382727938.

ClinVar aggregate classification (germline): Uncertain significance (1 of 4 stars; one submission).

Conditions:
Nephronophthisis 15 (NPHP15). Identifiers: Orphanet 3156, MedGen C3541853, MONDO:0013917, OMIM 614845.

gnomAD v4.1: 1 of 1,609,930 alleles (0.000062%); highest among the groups gnomAD compares: African/African-American, 0.0013%; no homozygotes.

Submission:

Labcorp Genetics (formerly Invitae), Labcorp
Classification: Uncertain significance for Nephronophthisis 15. Last evaluated: 2024-12-16. Review status: criteria provided, single submitter. Criteria: Invitae Variant Classification Sherloc (09022015). Collection method: clinical testing. Allele origin: germline.
Comment: This sequence change replaces leucine, which is neutral and non-polar, with proline, which is neutral and non-polar, at codon 884 of the CEP164 protein (p.Leu884Pro). This variant is not present in population databases (gnomAD no frequency). This variant has not been reported in the literature in individuals affected with CEP164-related conditions. ClinVar contains an entry for this variant (Variation ID: 2080418). Invitae Evidence Modeling of protein sequence and biophysical properties (such as structural, functional, and spatial information, amino acid conservation, physicochemical variation, residue mobility, and thermodynamic stability) has been performed for this missense variant. However, the output from this modeling did not meet the statistical confidence thresholds required to predict the impact of this variant on CEP164 protein function. In summary, the available evidence is currently insufficient to determine the role of this variant in disease. Therefore, it has been classified as a Variant of Uncertain Significance.